The following is an entry in ClinVar:

ClinVar aggregate classification (germline): Uncertain significance (1 of 4 stars; one submission).

Submission:

Labcorp Genetics (formerly Invitae), Labcorp
Classification: Uncertain significance. Last evaluated: 2023-02-24. Review status: criteria provided, single submitter. Criteria: Invitae Variant Classification Sherloc (09022015). Collection method: clinical testing. Allele origin: germline.
Comment: In summary, the available evidence is currently insufficient to determine the role of this variant in disease. Therefore, it has been classified as a Variant of Uncertain Significance. Experimental studies and prediction algorithms are not available or were not evaluated, and the functional significance of this variant is currently unknown. This variant is a gross deletion of the genomic region encompassing exon(s) 22-24 of the MSH3 gene, which includes the termination codon. This deletion extends beyond the assayed region for this gene and therefore may encompass additional genes. While this deletion is not anticipated to lead to nonsense mediated decay, it is expected to alter mRNA translation or result in a truncated protein product. This variant has not been reported in the literature in individuals affected with MSH3-related conditions.

NC_000005.9:g.(?_80160622)_(80171681_?)del

Gene: MSH3 (mutS homolog 3; plus strand). Cytogenetic location: 5q14.1.
Variant type: Deletion.
Identifiers: ClinVar variation 1061033 (VCV001061033.6).